The following is an entry in ClinVar:

ClinVar aggregate classification (germline): Likely pathogenic (1 of 4 stars; one submission).

Conditions:
Combined immunodeficiency due to DOCK8 deficiency (HIES2). Also called: HIES autosomal recessive; Hyper-IgE recurrent infection syndrome, autosomal recessive; HYPER-IgE SYNDROME 2, AUTOSOMAL RECESSIVE, WITH RECURRENT INFECTIONS; DOCK8 Deficiency; HYPER-IgE RECURRENT INFECTION SYNDROME 2, AUTOSOMAL RECESSIVE. Identifiers: Orphanet 217390, MedGen C4722305, MONDO:0009478, OMIM 243700.

Submission:

Labcorp Genetics (formerly Invitae), Labcorp
Classification: Likely pathogenic for Combined immunodeficiency due to DOCK8 deficiency. Last evaluated: 2017-11-06. Review status: criteria provided, single submitter. Criteria: Invitae Variant Classification Sherloc (09022015). Collection method: clinical testing. Allele origin: germline.
Comment: This variant is an in-frame deletion of the genomic region encompassing exons 3-4 of the DOCK8 gene. It preserves the integrity of the reading frame. Deletions of exons 3-4 have not been reported in the literature in individuals with DOCK8-related disease. This finding is consistent with autosomal recessive inheritance, and suggests that this variant contributes to disease. In summary, the currently available evidence indicates that the variant is pathogenic, but additional data are needed to prove that conclusively. Therefore, this variant has been classified as Likely Pathogenic.

NC_000009.12:g.(?_286441)_(289601_?)del

Genes: DOCK8 (dedicator of cytokinesis 8; plus strand), LOC126860552 (BRD4-independent group 4 enhancer GRCh37_chr9:285795-286994; plus strand). Cytogenetic location: 9p24.3.
Variant type: Deletion.
Identifiers: ClinVar variation 468733 (VCV000468733.1).